The following is an entry in ClinVar:

ClinVar aggregate classification (germline): Uncertain significance (1 of 4 stars; one submission).

Conditions:
Hereditary cancer-predisposing syndrome. Also called: Neoplastic Syndromes, Hereditary; Tumor predisposition; Hereditary Cancer Syndrome; Hereditary neoplastic syndrome. Identifiers: Orphanet 140162, MedGen C0027672, MeSH D009386, MONDO:0015356.

Submission:

Ambry Genetics
Classification: Uncertain significance for Hereditary cancer-predisposing syndrome. Last evaluated: 2026-03-13. Review status: criteria provided, single submitter. Criteria: Ambry Variant Classification Scheme 2023. Collection method: clinical testing. Allele origin: germline.
Comment: The c.261-5A>T intronic variant results from an A to T substitution 5 nucleotides upstream from coding exon 2 in the MSH6 gene. This nucleotide position is highly conserved in available vertebrate species. In silico splice site analysis predicts that this alteration will not have any significant effect on splicing. Based on the available evidence, the clinical significance of this variant remains unclear.

NM_000179.3(MSH6):c.261-5A>T

Gene: MSH6 (mutS homolog 6; plus strand). Cytogenetic location: 2p16.3.
Variant type: single nucleotide variant.
Coding change: c.261-5A>T on transcript NM_000179.3 (MANE Select); 5 bases into the intron before coding-DNA position 261, A replaced by T.
Molecular consequence: intron variant. On other transcripts: 5 prime UTR variant (1).
Genome position (GRCh38, 1-based): chr2:47,790,922, A>T. VCF-style: chr2-47790922-A-T. GRCh37 (hg19) VCF-style: chr2-48018061-A-T.
Other names: c.-37-5A>T (NM_001406828.1, NM_001406825.1, NM_001406819.1 and 9 more transcripts); c.93-5A>T (NM_001406826.1); c.-476-5A>T (NM_001406829.1, NM_001406823.1, NM_001406811.1 and 1 more transcripts); c.-642-5A>T (NM_001281494.2); c.-42A>T (NM_001406830.1); c.261-5A>T (NM_001406809.1, NM_001406796.1, NM_001406813.1 and 6 more transcripts); c.357-5A>T (NM_001406795.1, NM_001406802.1); c.-668-5A>T (NM_001406807.1); and 7 more.
Identifiers: ClinVar variation 4827455 (VCV004827455.1).
Genomic context (GRCh38, chr2:47,790,922, plus strand): 5'-GGTAACTGCCTTTAAGGAAACTTGACCAAATATTAACTAAGTTATGTATTTCCTTTTGGC[A>T]ACAGTTGTGACTTCTCACCAGGAGATTTGGTTTGGGCCAAGATGGAGGGTTACCCCTGGT-3'